The following is an entry in ClinVar:

NM_018723.4(RBFOX1):c.137C>T (p.Pro46Leu)

Gene: RBFOX1 (RNA binding fox-1 homolog 1; plus strand). Cytogenetic location: 16p13.3.
Variant type: single nucleotide variant.
Coding change: c.137C>T on transcript NM_018723.4 (MANE Select); coding-DNA position 137, C replaced by T.
Protein change: p.Pro46Leu; replaces proline 46 with leucine.
Molecular consequence: missense variant.
Genome position (GRCh38, 1-based): chr16:7,518,256, C>T. VCF-style: chr16-7518256-C-T. GRCh37 (hg19) VCF-style: chr16-7568258-C-T.
Other names: c.137C>T, p.Pro46Leu (NM_001142333.2, NM_001142334.2, NM_001364800.2); c.266C>T, p.Pro89Leu (NM_001308117.1); c.197C>T, p.Pro66Leu (NM_145891.3, NM_145892.3, NM_145893.3); short protein forms P46L, P66L, P89L.
Identifiers: ClinVar variation 1020896 (VCV001020896.9), dbSNP rs113298071, ClinGen allele CA394796512.
Genomic context (GRCh38, chr16:7,518,256, plus strand): 5'-CTTCGGCCCAGTTTGCTCCCCCGCAGAACGGTATCCCCGCGGAATACACGGCCCCTCATC[C>T]CCACCCCGCGCCAGAGTACACAGGCCAGACCACGGTTCCCGAGCACACATTAAACCTGTA-3'
Protein context (NP_061193.2, residues 36-56): GIPAEYTAPH[Pro46Leu]HPAPEYTGQT

ClinVar aggregate classification (germline): Uncertain significance (1 of 4 stars; one submission).

Conditions:
Idiopathic generalized epilepsy. Also called: EIG; Generalised epilepsy. Identifiers: MedGen C0270850, MONDO:0005579, OMIM 600669.

Submission:

Labcorp Genetics (formerly Invitae), Labcorp
Classification: Uncertain significance for Idiopathic generalized epilepsy. Last evaluated: 2021-01-15. Review status: criteria provided, single submitter. Criteria: Invitae Variant Classification Sherloc (09022015). Collection method: clinical testing. Allele origin: germline.
Comment: This sequence change replaces proline with leucine at codon 66 of the RBFOX1 protein (p.Pro66Leu). The proline residue is highly conserved and there is a moderate physicochemical difference between proline and leucine. This variant is not present in population databases (ExAC no frequency). This variant has not been reported in the literature in individuals with RBFOX1-related conditions. Algorithms developed to predict the effect of missense changes on protein structure and function are either unavailable or do not agree on the potential impact of this missense change (SIFT: "Deleterious"; PolyPhen-2: "Probably Damaging"; Align-GVGD: "Class C0"). In summary, the available evidence is currently insufficient to determine the role of this variant in disease. Therefore, it has been classified as a Variant of Uncertain Significance.